The following is an entry in ClinVar:

NM_024408.4(NOTCH2):c.5152C>G (p.Arg1718Gly)

Gene: NOTCH2 (notch receptor 2; minus strand). Cytogenetic location: 1p12.
Variant type: single nucleotide variant.
Coding change: c.5152C>G on transcript NM_024408.4 (MANE Select); coding-DNA position 5152, C replaced by G.
Protein change: p.Arg1718Gly; replaces arginine 1718 with glycine.
Molecular consequence: missense variant.
Genome position (GRCh38, 1-based): chr1:119,922,297, G>C on the plus strand (C>G on the coding strand, the complement: NOTCH2 is on the minus strand). VCF-style: chr1-119922297-G-C. GRCh37 (hg19) VCF-style: chr1-120464920-G-C.
Other names: short protein forms R1718G.
Identifiers: ClinVar variation 1998436 (VCV001998436.4), dbSNP rs1233590749, ClinGen allele CA341886812.

ClinVar aggregate classification (germline): Uncertain significance (1 of 4 stars; one submission).

Conditions:
Hajdu-Cheney syndrome (HJCYS). Also called: Acroosteolysis dominant type; ACROOSTEOLYSIS WITH OSTEOPOROSIS AND CHANGES IN SKULL AND MANDIBLE; SERPENTINE FIBULA-POLYCYSTIC KIDNEY SYNDROME. Identifiers: Orphanet 955, MedGen C0917715, MONDO:0007057, OMIM 102500.

Submission:

Labcorp Genetics (formerly Invitae), Labcorp
Classification: Uncertain significance for Hajdu-Cheney syndrome. Last evaluated: 2022-05-25. Review status: criteria provided, single submitter. Criteria: Invitae Variant Classification Sherloc (09022015). Collection method: clinical testing. Allele origin: germline.
Comment: In summary, the available evidence is currently insufficient to determine the role of this variant in disease. Therefore, it has been classified as a Variant of Uncertain Significance. Advanced modeling of protein sequence and biophysical properties (such as structural, functional, and spatial information, amino acid conservation, physicochemical variation, residue mobility, and thermodynamic stability) performed at Invitae indicates that this missense variant is not expected to disrupt NOTCH2 protein function. This variant has not been reported in the literature in individuals affected with NOTCH2-related conditions. This variant is not present in population databases (gnomAD no frequency). This sequence change replaces arginine, which is basic and polar, with glycine, which is neutral and non-polar, at codon 1718 of the NOTCH2 protein (p.Arg1718Gly).